The following is an entry in ClinVar:

ClinVar aggregate classification (germline): Uncertain significance. Review status: criteria provided, multiple submitters, no conflicts (2 of 4 stars). 2 submissions from 2 submitters: Uncertain significance (2). Last evaluated 2025-07-09.

Conditions:
Cardiovascular phenotype. Identifiers: MedGen CN230736.
Familial hypercholesterolemia. Also called: Familial hypercholesterolaemia. Identifiers: MedGen C0020445, MONDO:0005439.

Allele frequency attached by ClinVar (database versions not stated): gnomAD exomes below 0.00001; ExAC 0.00001; ESP Exome Variant Server 0.00008.
gnomAD v4.1: 5 of 1,613,184 alleles (0.00031%); highest among the groups gnomAD compares: Non-Finnish European, 0.00042%; no homozygotes.

Submissions (2):

Ambry Genetics
Classification: Uncertain significance for Cardiovascular phenotype. Last evaluated: 2025-07-09. Review status: criteria provided, single submitter. Criteria: Ambry Variant Classification Scheme 2023. Collection method: clinical testing. Allele origin: germline.
Comment: The p.A242V variant (also known as c.725C>T), located in coding exon 5 of the PCSK9 gene, results from a C to T substitution at nucleotide position 725. The alanine at codon 242 is replaced by valine, an amino acid with similar properties. This amino acid position is conserved. In addition, this alteration is predicted to be deleterious by in silico analysis. Based on the available evidence, the clinical significance of this variant remains unclear.

Color Diagnostics, LLC DBA Color Health
Classification: Uncertain significance for Familial hypercholesterolemia. Last evaluated: 2024-03-06. Review status: criteria provided, single submitter. Criteria: ACMG Guidelines, 2015. Collection method: clinical testing. Allele origin: germline.
Comment: This missense variant replaces alanine with valine at codon 242 of the PCSK9 protein. Computational prediction suggests that this variant may have deleterious impact on protein structure and function (internally defined REVEL score threshold >= 0.7, PMID: 27666373). To our knowledge, functional studies have not been reported for this variant. This variant has not been reported in individuals affected with PCSK9-related disorders in the literature. This variant has been identified in 1/249134 chromosomes in the general population by the Genome Aggregation Database (gnomAD). The available evidence is insufficient to determine the role of this variant in disease conclusively. Therefore, this variant is classified as a Variant of Uncertain Significance.

NM_174936.4(PCSK9):c.725C>T (p.Ala242Val)

Gene: PCSK9 (proprotein convertase subtilisin/kexin type 9; plus strand). Cytogenetic location: 1p32.3.
Variant type: single nucleotide variant.
Coding change: c.725C>T on transcript NM_174936.4 (MANE Select); coding-DNA position 725, C replaced by T.
Protein change: p.Ala242Val; replaces alanine 242 with valine.
Molecular consequence: missense variant. On other transcripts: non-coding transcript variant (8).
Genome position (GRCh38, 1-based): chr1:55,052,717, C>T. VCF-style: chr1-55052717-C-T. GRCh37 (hg19) VCF-style: chr1-55518390-C-T.
Other names: c.848C>T, p.Ala283Val (NM_001407240.1); c.725C>T, p.Ala242Val (NM_001407241.1, NM_001407244.1, NM_001407247.1); c.728C>T, p.Ala243Val (NM_001407242.1); c.668C>T, p.Ala223Val (NM_001407243.1); c.533C>T, p.Ala178Val (NM_001407245.1); c.350C>T, p.Ala117Val (NM_001407246.1); short protein forms A117V, A223V, A243V, A178V, A242V, A283V.
Identifiers: ClinVar variation 2774041 (VCV002774041.3), dbSNP rs374014696, ClinGen allele CA044183.